The following is an entry in ClinVar:

NM_004415.4(DSP):c.940-2del

Gene: DSP (desmoplakin; plus strand). Cytogenetic location: 6p24.3.
Variant type: Deletion.
Coding change: c.940-2del on transcript NM_004415.4 (MANE Select); the canonical splice acceptor site of the intron before coding-DNA position 940, one base deleted (A; older notation c.940-2delA).
Molecular consequence: splice acceptor variant.
Genome position (GRCh38, 1-based): chr6:7,566,375, A deleted. VCF-style (leftmost placement, unchanged base first): chr6-7566374-CA-C. GRCh37 (hg19) VCF-style: chr6-7566607-CA-C.
Other names: c.940-2del (NM_001319034.2, NM_001008844.3, NM_001406591.1).
Identifiers: ClinVar variation 1488934 (VCV001488934.6), dbSNP rs2113670901, ClinGen allele CA2573140929.

ClinVar aggregate classification (germline): Likely pathogenic (1 of 4 stars; one submission).

Conditions:
Arrhythmogenic right ventricular dysplasia 8 (ARVD8). Also called: Arrhythmogenic Right Ventricular Dysplasia/Cardiomyopathy 8; ARRHYTHMOGENIC RIGHT VENTRICULAR DYSPLASIA, FAMILIAL, 8; ARRHYTHMOGENIC RIGHT VENTRICULAR CARDIOMYOPATHY 8. Identifiers: MedGen C1843896, MONDO:0011831, OMIM 607450.
Arrhythmogenic cardiomyopathy with wooly hair and keratoderma. Also called: PALMOPLANTAR KERATODERMA WITH LEFT VENTRICULAR CARDIOMYOPATHY AND WOOLLY HAIR; Arrhythmogenic cardiomyopathy with woolly hair and keratoderma; Carvajal syndrome; Dilated cardiomyopathy with woolly hair and keratoderma. Identifiers: Orphanet 65282, MedGen C1854063, MONDO:0011581, OMIM 605676.

Submission:

Labcorp Genetics (formerly Invitae), Labcorp
Classification: Likely pathogenic for Arrhythmogenic cardiomyopathy with wooly hair and keratoderma; Arrhythmogenic right ventricular dysplasia 8. Last evaluated: 2024-08-14. Review status: criteria provided, single submitter. Criteria: Invitae Variant Classification Sherloc (09022015). Collection method: clinical testing. Allele origin: germline.
Comment: This sequence change affects a splice site in intron 7 of the DSP gene. It is expected to disrupt RNA splicing. Variants that disrupt the donor or acceptor splice site typically lead to a loss of protein function (PMID: 16199547), and loss-of-function variants in DSP are known to be pathogenic (PMID: 20716751, 24503780, 25227139). This variant is not present in population databases (gnomAD no frequency). This variant has not been reported in the literature in individuals affected with DSP-related conditions. ClinVar contains an entry for this variant (Variation ID: 1488934). Algorithms developed to predict the effect of sequence changes on RNA splicing suggest that this variant may disrupt the consensus splice site. In summary, the currently available evidence indicates that the variant is pathogenic, but additional data are needed to prove that conclusively. Therefore, this variant has been classified as Likely Pathogenic.

Literature cited by the submitters: PubMed 16199547; PubMed 20716751; PubMed 24503780; PubMed 25227139.